The following is an entry in ClinVar:

NM_004656.4(BAP1):c.1372dup (p.Asp458fs)

Gene: BAP1 (BRCA1 associated deubiquitinase 1; minus strand). Cytogenetic location: 3p21.1.
Variant type: Duplication.
Coding change: c.1372dup on transcript NM_004656.4 (MANE Select); coding-DNA position 1372, one base duplicated (G; older notation c.1372dupG).
Protein change: p.Asp458fs; shifts the reading frame from aspartic acid 458.
Molecular consequence: frameshift variant.
Genome position (GRCh38, 1-based): chr3:52,403,773, C duplicated on the plus strand (G on the coding strand, the reverse complement: BAP1 is on the minus strand); the first of 2 consecutive C bases (chr3:52,403,773-52,403,774); duplicating either gives the same sequence. VCF-style (leftmost placement, unchanged base first): chr3-52403772-T-TC. GRCh37 (hg19) VCF-style: chr3-52437788-T-TC.
Other names: c.1318dup, p.Asp440fs (NM_001410772.1); c.1372dupG (NM_004656.2); short protein forms D440fs, D458fs.
Identifiers: ClinVar variation 3819173 (VCV003819173.1).
Genomic context (GRCh38, chr3:52,403,772, plus strand): 5'-ACTGCCACAGCCGGACTCCCAGCCCCGCTGCTAGTCTTGATGGACAGAGGAATTGAGAGG[T>TC]CCTTCTGGGACTCTTTGAGCTTCTCAGCCAAGACGTTGATGGTGTTGGGCTGCAGCACTG-3'

ClinVar aggregate classification (germline): Pathogenic (1 of 4 stars; one submission).

Conditions:
Hereditary cancer-predisposing syndrome. Also called: Hereditary neoplastic syndrome; Neoplastic Syndromes, Hereditary; Tumor predisposition; Hereditary Cancer Syndrome. Identifiers: Orphanet 140162, MedGen C0027672, MeSH D009386, MONDO:0015356.

Submission:

Ambry Genetics
Classification: Pathogenic for Hereditary cancer-predisposing syndrome. Last evaluated: 2025-02-24. Review status: criteria provided, single submitter. Criteria: Ambry Variant Classification Scheme 2023. Collection method: clinical testing. Allele origin: germline.
Comment: The c.1372dupG pathogenic mutation, located in coding exon 13 of the BAP1 gene, results from a duplication of G at nucleotide position 1372, causing a translational frameshift with a predicted alternate stop codon (p.D458Gfs*11). This alteration is expected to result in loss of function by premature protein truncation or nonsense-mediated mRNA decay. As such, this alteration is interpreted as a disease-causing mutation.